The following is an entry in ClinVar:

NM_021968.4(H4C11):c.9C>T (p.Gly3=)

Gene: H4C11 (H4 clustered histone 11; plus strand). Cytogenetic location: 6p22.1.
Variant type: single nucleotide variant.
Coding change: c.9C>T on transcript NM_021968.4 (MANE Select); coding-DNA position 9, C replaced by T.
Protein change: p.Gly3=; no amino-acid change (glycine 3 retained).
Molecular consequence: synonymous variant.
Genome position (GRCh38, 1-based): chr6:27,824,133, C>T. VCF-style: chr6-27824133-C-T. GRCh37 (hg19) VCF-style: chr6-27791911-C-T.
Identifiers: ClinVar variation 2656315 (VCV002656315.24), dbSNP rs532924015, ClinGen allele CA3679018.

ClinVar aggregate classification (germline): Likely benign (1 of 4 stars; one submission).

Allele frequency attached by ClinVar (database versions not stated): 1000 Genomes Project 0.00020; 1000 Genomes Project 30x 0.00062.

Submission:

CeGaT Center for Human Genetics Tuebingen
Classification: Likely benign. Last evaluated: 2025-09-01. Review status: criteria provided, single submitter. Criteria: CeGaT Center For Human Genetics Tuebingen Variant Classification Criteria Version 2. Collection method: clinical testing. Allele origin: germline. Affected: yes. Observed: 3 variant alleles.
Comment: H4C11: BP4, BP7